The following is an entry in ClinVar:

ClinVar aggregate classification (germline): Uncertain significance (1 of 4 stars; one submission).

Allele frequency attached by ClinVar (database versions not stated): gnomAD exomes 0.00001; TOPMed 0.00001.
gnomAD v4.1: 5 of 1,610,524 alleles (0.00031%); highest among the groups gnomAD compares: Non-Finnish European, 0.00042%; no homozygotes.

Submission:

Labcorp Genetics (formerly Invitae), Labcorp
Classification: Uncertain significance. Last evaluated: 2022-05-22. Review status: criteria provided, single submitter. Criteria: Invitae Variant Classification Sherloc (09022015). Collection method: clinical testing. Allele origin: germline.
Comment: This sequence change falls in intron 5 of the XPR1 gene. It does not directly change the encoded amino acid sequence of the XPR1 protein. It affects a nucleotide within the consensus splice site. This variant is not present in population databases (gnomAD no frequency). In summary, the available evidence is currently insufficient to determine the role of this variant in disease. Therefore, it has been classified as a Variant of Uncertain Significance. Variants that disrupt the consensus splice site are a relatively common cause of aberrant splicing (PMID: 17576681, 9536098). Algorithms developed to predict the effect of sequence changes on RNA splicing suggest that this variant is not likely to affect RNA splicing. This variant has not been reported in the literature in individuals affected with XPR1-related conditions.

Literature cited by the submitters: PubMed 17576681; PubMed 9536098.

NM_004736.4(XPR1):c.597+3A>G

Gene: XPR1 (xenotropic and polytropic retrovirus receptor 1; plus strand). Cytogenetic location: 1q25.3.
Variant type: single nucleotide variant.
Coding change: c.597+3A>G on transcript NM_004736.4 (MANE Select); 3 bases into the intron after coding-DNA position 597, A replaced by G.
Molecular consequence: intron variant.
Genome position (GRCh38, 1-based): chr1:180,806,214, A>G. VCF-style: chr1-180806214-A-G. GRCh37 (hg19) VCF-style: chr1-180775350-A-G.
Other names: c.597+3A>G (NM_001135669.2, NM_001328662.2).
Identifiers: ClinVar variation 1969799 (VCV001969799.5), dbSNP rs1327961310, ClinGen allele CA891928700.